The following is an entry in ClinVar:

NC_000007.14:g.107660793C>T

Genes: SLC26A4 (solute carrier family 26 member 4; plus strand), SLC26A4-AS1 (SLC26A4 antisense RNA 1; minus strand). Cytogenetic location: 7q22.3.
Variant type: single nucleotide variant.
Genome position: GRCh38 VCF-style: chr7-107660793-C-T. GRCh37 (hg19) VCF-style: chr7-107301238-C-T.
Identifiers: ClinVar variation 43488 (VCV000043488.8), dbSNP rs17154282, ClinGen allele CA132650.

ClinVar aggregate classification (germline): Conflicting classifications of pathogenicity. Review status: criteria provided, conflicting classifications (1 of 4 stars). 2 submissions from 2 submitters: Uncertain significance (1); Likely benign (1). Last evaluated 2025-08-07.

Allele frequency attached by ClinVar (database versions not stated): 1000 Genomes Project 0.00040; 1000 Genomes Project 30x 0.00047.

Submissions (2):

GeneDx
Classification: Uncertain significance. Last evaluated: 2025-08-07. Review status: criteria provided, single submitter. Criteria: GeneDx Variant Classification Process June 2021. Collection method: clinical testing. Allele origin: germline.
Comment: Not observed at significant frequency in large population cohorts (gnomAD); Nucleotide is not conserved across species and the substitution has no predicted effect on splicing; Located in a regulatory region; in the absence of functional studies, the actual effect of this sequence change is unknown; Has not been previously published as pathogenic or benign to our knowledge

Laboratory for Molecular Medicine, Mass General Brigham Personalized Medicine
Classification: Likely benign. Last evaluated: 2012-01-20. Review status: criteria provided, single submitter. Criteria: LMM Criteria. Collection method: clinical testing. Allele origin: germline. Observed: 1 variant allele.
Comment: The -66C>T variant in the 5?UTR of SLC26A4: This variant is not expected to have clinical significance because it does not alter an amino acid residue, is not l ocated within a splice consensus sequence, and another base change at this site, -66C>G, has been observed as a common benign variant (rs17154282).